The following is an entry in ClinVar:

NM_001379500.1(COL18A1):c.3851G>T (p.Arg1284Leu)

Genes: COL18A1 (collagen type XVIII alpha 1 chain; plus strand), SLC19A1 (solute carrier family 19 member 1; minus strand). Cytogenetic location: 21q22.3.
Variant type: single nucleotide variant.
Coding change: c.3851G>T on transcript NM_001379500.1 (MANE Select); coding-DNA position 3851, G replaced by T.
Protein change: p.Arg1284Leu; replaces arginine 1284 with leucine.
Molecular consequence: missense variant.
Genome position (GRCh38, 1-based): chr21:45,512,229, G>T. VCF-style: chr21-45512229-G-T. GRCh37 (hg19) VCF-style: chr21-46932143-G-T.
Other names: c.4382G>T, p.Arg1461Leu (NM_030582.4); c.5087G>T, p.Arg1696Leu (NM_130444.3); short protein forms R1284L, R1461L, R1696L.
Identifiers: ClinVar variation 4773647 (VCV004773647.1).

ClinVar aggregate classification (germline): Uncertain significance (1 of 4 stars; one submission).

gnomAD v4.1: 7 of 1,612,432 alleles (0.00043%); highest among the groups gnomAD compares: Non-Finnish European, 0.00059%; no homozygotes.

Submission:

Labcorp Genetics (formerly Invitae), Labcorp
Classification: Uncertain significance. Last evaluated: 2025-11-03. Review status: criteria provided, single submitter. Criteria: Invitae Variant Classification Sherloc (09022015). Collection method: clinical testing. Allele origin: germline.
Comment: This sequence change replaces arginine, which is basic and polar, with leucine, which is neutral and non-polar, at codon 1281 of the COL18A1 protein (p.Arg1281Leu). This variant is not present in population databases (gnomAD no frequency). This variant has not been reported in the literature in individuals affected with COL18A1-related conditions. Experimental studies and prediction algorithms are not available or were not evaluated, and the functional significance of this variant is currently unknown. In summary, the available evidence is currently insufficient to determine the role of this variant in disease. Therefore, it has been classified as a Variant of Uncertain Significance.